The following is an entry in ClinVar:

ClinVar aggregate classification (germline): Benign. Review status: criteria provided, multiple submitters, no conflicts (2 of 4 stars). 2 submissions from 2 submitters: Benign (2). Last evaluated 2017-04-27.

Conditions:
X-linked lymphoproliferative disease due to XIAP deficiency. Also called: XIAP DEFICIENCY; XIAP-Related Lymphoproliferative Disease, X-Linked. Identifiers: Orphanet 2442, Orphanet 538934, MedGen C1845076, MONDO:0010385, OMIM 300635.

Allele frequency attached by ClinVar (database versions not stated): gnomAD 0.17684; TOPMed 0.19293; 1000 Genomes Project 0.26596; ExAC 0.32707.

Submissions (2):

Illumina Laboratory Services, Illumina
Classification: Benign for X-linked lymphoproliferative disease due to XIAP deficiency. Last evaluated: 2017-04-27. Review status: criteria provided, single submitter. Criteria: ICSL Variant Classification Criteria 13 December 2019. Collection method: clinical testing. Allele origin: germline.
Comment: This variant was observed as part of a predisposition screen in an ostensibly healthy population. A literature search was performed for the gene, cDNA change, and amino acid change (where applicable). No publications were found based on this search. Allele frequency data from public databases was too high to be consistent with this variant causing disease. Therefore, this variant is classified as benign.

Breakthrough Genomics
Classification: Benign. Review status: criteria provided, single submitter. Criteria: ACMG Guidelines, 2015. Collection method: not provided. Allele origin: germline. Inheritance: X-linked inheritance. Affected: yes.

NM_001167.4(XIAP):c.*4015A>G

Gene: XIAP (X-linked inhibitor of apoptosis; plus strand). Cytogenetic location: Xq25.
Variant type: single nucleotide variant.
Coding change: c.*4015A>G on transcript NM_001167.4 (MANE Select); 4015 bases downstream of the stop codon, A replaced by G.
Molecular consequence: 3 prime UTR variant. On other transcripts: non-coding transcript variant (2).
Genome position (GRCh38, 1-based): chrX:123,911,196, A>G. VCF-style: chrX-123911196-A-G. GRCh37 (hg19) VCF-style: chrX-123045046-A-G.
Other names: c.*4015A>G (NM_001204401.2, NM_001378590.1, NM_001378591.1 and 1 more transcripts).
Identifiers: ClinVar variation 367829 (VCV000367829.6), dbSNP rs28382749, ClinGen allele CA10508340.